The following is an entry in ClinVar:

NM_022124.6(CDH23):c.193del (p.Leu65fs)

Genes: CDH23 (cadherin related 23; plus strand), CDH23-AS1 (CDH23 antisense RNA 1; minus strand). Cytogenetic location: 10q22.1.
Variant type: Deletion.
Coding change: c.193del on transcript NM_022124.6 (MANE Select); coding-DNA position 193, one base deleted (C; older notation c.193delC).
Protein change: p.Leu65fs; shifts the reading frame from leucine 65.
Molecular consequence: frameshift variant.
Genome position (GRCh38, 1-based): chr10:71,510,129, C deleted; the last of 5 consecutive C bases (chr10:71,510,125-71,510,129); deleting any one gives the same sequence. VCF-style (leftmost placement, unchanged base first): chr10-71510124-AC-A. GRCh37 (hg19) VCF-style: chr10-73269881-AC-A.
Other names: c.193del, p.Leu65fs (NM_001171930.2, NM_001171931.2, NM_001171932.2 and 1 more transcripts); c.193del (NM_022124.5); short protein forms L65fs.
Identifiers: ClinVar variation 4925 (VCV000004925.14), dbSNP rs796051861, ClinGen allele CA212824.

ClinVar aggregate classification (germline): Pathogenic. Review status: criteria provided, multiple submitters, no conflicts (2 of 4 stars). 7 submissions from 6 submitters: Pathogenic (4). 3 of the submissions do not count toward it. Last evaluated 2025-07-25.

Conditions:
Pituitary adenoma 5, multiple types. Identifiers: MedGen C4539685, MONDO:0054601, OMIM 617540.
Usher syndrome type 1D (USH1D). Also called: USHER SYNDROME, TYPE ID. Identifiers: Orphanet 231169, Orphanet 886, MedGen C1832845, MONDO:0010984, OMIM 601067.
Autosomal recessive nonsyndromic hearing loss 12. Also called: DEAFNESS, AUTOSOMAL RECESSIVE 12. Identifiers: Orphanet 90636, MedGen C1832394, MONDO:0011067, OMIM 601386.
Usher syndrome type 1 (USH1). Also called: RETINITIS PIGMENTOSA AND CONGENITAL DEAFNESS. Identifiers: Orphanet 231169, Orphanet 886, MedGen C1568247, MONDO:0010168, OMIM 276900.
USHER SYNDROME, TYPE ID/F, DIGENIC. Also called: Usher syndrome, type 1D/F digenic. Identifiers: MedGen C3276419.

Submissions (7):

Labcorp Genetics (formerly Invitae), Labcorp
Classification: Pathogenic. Last evaluated: 2025-07-25. Review status: criteria provided, single submitter. Criteria: Invitae Variant Classification Sherloc (09022015). Collection method: clinical testing. Allele origin: germline.
Comment: This sequence change creates a premature translational stop signal (p.Leu65Trpfs*49) in the CDH23 gene. It is expected to result in an absent or disrupted protein product. Loss-of-function variants in CDH23 are known to be pathogenic (PMID: 11138009, 21940737). This variant is not present in population databases (gnomAD no frequency). This premature translational stop signal has been observed in individual(s) with Usher syndrome (PMID: 12075507). In at least one individual the data is consistent with being in trans (on the opposite chromosome) from a pathogenic variant. ClinVar contains an entry for this variant (Variation ID: 4925). For these reasons, this variant has been classified as Pathogenic.

Natera, Inc.
Classification: Pathogenic for Usher syndrome type 1. Last evaluated: 2025-04-17. Review status: criteria provided, single submitter. Criteria: Natera Variant Classification Schema (03/2026). Collection method: clinical testing. Allele origin: germline.
Comment: The c.193delC variant in CDH23 is a frameshift variant predicted to shift the reading frame beginning at codon 65 and leads to a stop codon 49 codons downstream. This variant is expected to result in nonsense mediated decay, truncation, or a dysfunctional protein product. This variant is rare in the general population with a frequency below the threshold expected for the associated phenotype(s). This variant has been observed in one or more individuals affected with the associated recessive disease, as either homozygous or compound heterozygous with a second variant (PMID: 12075507). Given the available evidence, this variant is classified as Pathogenic.

Fulgent Genetics
Classification: Pathogenic for Usher syndrome type 1D; Autosomal recessive nonsyndromic hearing loss 12; Pituitary adenoma 5, multiple types. Last evaluated: 2024-05-03. Review status: criteria provided, single submitter. Criteria: ACMG Guidelines, 2015. Collection method: clinical testing. Allele origin: germline.

GeneDx
Classification: Pathogenic. Last evaluated: 2016-04-07. Review status: criteria provided, single submitter. Criteria: GeneDx Variant Classification (06012015). Collection method: clinical testing. Allele origin: germline. Affected: yes.
Comment: The c.193delC variant in the CDH23 gene has been reported previously in the compound heterozygous state with a second pathogenic variant in an individual with atypical Usher syndrome (Astuto et al., 2002). The c.193delC variant causes a frameshift starting with codon Leucine 65, changes this amino acid to a Tryptophan residue, and creates a premature Stop codon at position 49 of the new reading frame, denoted p.Leu65TrpfsX49. This variant is predicted to cause loss of normal protein function either through protein truncation or nonsense-mediated mRNA decay. The c.193delC variant was not observed in approximately 6200 individuals of European and African American ancestry in the NHLBI Exome Sequencing Project, indicating it is not a common benign variant in these populations. We interpret c.193delC as a pathogenic variant.

OMIM
Classification: Pathogenic for USHER SYNDROME, TYPE ID. Last evaluated: 2005-01-01. Review status: no assertion criteria provided. Collection method: literature only. Allele origin: germline. Not counted in ClinVar's aggregate classification.

OMIM
Classification: Pathogenic for USHER SYNDROME, TYPE ID/F, DIGENIC. Last evaluated: 2005-01-01. Review status: no assertion criteria provided. Collection method: literature only. Allele origin: germline. Not counted in ClinVar's aggregate classification.

GeneReviews
No classification provided. Condition: Usher syndrome type 1. Review status: no classification provided. Collection method: literature only. Allele origin: germline. Affected: yes. Not counted in ClinVar's aggregate classification.

Literature cited by the submitters: PubMed 11138009 (cited by Labcorp Genetics (formerly Invitae), Labcorp); PubMed 21940737 (cited by Labcorp Genetics (formerly Invitae), Labcorp); PubMed 12075507 (cited by 3 submitters); PubMed 15537665 (cited by OMIM and GeneReviews); NCBI Bookshelf NBK1265 (cited by GeneReviews).